The following is an entry in ClinVar:

ClinVar aggregate classification (germline): Uncertain significance (1 of 4 stars; one submission).

Conditions:
Hyperphosphatasia with intellectual disability syndrome 5 (GPIBD11). Also called: GLYCOSYLPHOSPHATIDYLINOSITOL BIOSYNTHESIS DEFECT 11. Identifiers: Orphanet 247262, MedGen C4014958, MONDO:0014457, OMIM 616025.

Submission:

Labcorp Genetics (formerly Invitae), Labcorp
Classification: Uncertain significance for Hyperphosphatasia with mental retardation syndrome 5. Last evaluated: 2018-04-24. Review status: criteria provided, single submitter. Criteria: Invitae Variant Classification Sherloc (09022015). Collection method: clinical testing. Allele origin: germline.
Comment: A gross deletion of the genomic region encompassing the full coding sequence of the PIGW gene has been identified. The boundaries of this event are unknown as the deletion extends beyond the assayed region for this gene and therefore may encompass additional genes. This variant has not been reported in the literature in individuals with PIGW-related disease. The current clinical and genetic evidence is not sufficient to establish whether loss-of-function variants in PIGW cause disease. In summary, the available evidence is currently insufficient to determine the role of this variant in disease. Therefore, it has been classified as a Variant of Uncertain Significance.

NC_000017.11:g.(?_36537082)_(36538636_?)del

Genes: MYO19 (myosin XIX; minus strand), PIGW (phosphatidylinositol glycan anchor biosynthesis class W; plus strand). Cytogenetic location: 17q12.
Variant type: Deletion.
Identifiers: ClinVar variation 584191 (VCV000584191.1).